The following is an entry in ClinVar:

NM_001080517.3(SETD5):c.3507dup (p.Thr1170fs)

Gene: SETD5 (SET domain containing 5; plus strand). Cytogenetic location: 3p25.3.
Variant type: Duplication.
Coding change: c.3507dup on transcript NM_001080517.3 (MANE Select); coding-DNA position 3507, one base duplicated (C; older notation c.3507dupC).
Protein change: p.Thr1170fs; shifts the reading frame from threonine 1170.
Molecular consequence: frameshift variant.
Genome position (GRCh38, 1-based): chr3:9,474,458, C duplicated; the last of 3 consecutive C bases (chr3:9,474,456-9,474,458); duplicating any one gives the same sequence. VCF-style (leftmost placement, unchanged base first): chr3-9474455-T-TC. GRCh37 (hg19) VCF-style: chr3-9516139-T-TC.
Other names: c.3213dup, p.Thr1072fs (NM_001292043.2, NM_001349451.2); c.3603dup, p.Thr1202fs (NM_001437633.1); c.3621dup, p.Thr1208fs (NM_001437635.1); c.3564dup, p.Thr1189fs (NM_001437643.1); c.3546dup, p.Thr1183fs (NM_001437701.1); short protein forms T1072fs, T1170fs, T1183fs, T1189fs, T1202fs, T1208fs.
Identifiers: ClinVar variation 4074403 (VCV004074403.1).

ClinVar aggregate classification (germline): Pathogenic (1 of 4 stars; one submission).

Submission:

GeneDx
Classification: Pathogenic. Last evaluated: 2025-02-06. Review status: criteria provided, single submitter. Criteria: GeneDx Variant Classification Process June 2021. Collection method: clinical testing. Allele origin: germline. Affected: yes.
Comment: Frameshift variant predicted to result in protein truncation or nonsense mediated decay in a gene for which loss of function is a known mechanism of disease; Not observed at significant frequency in large population cohorts (gnomAD); Has not been previously published as pathogenic or benign to our knowledge